The following is an entry in ClinVar:

NM_001039348.3(EFEMP1):c.919T>C (p.Tyr307His)

Gene: EFEMP1 (EGF-like fibulin extracellular matrix protein 1; minus strand). Cytogenetic location: 2p16.1.
Variant type: single nucleotide variant.
Coding change: c.919T>C on transcript NM_001039348.3 (MANE Select); coding-DNA position 919, T replaced by C.
Protein change: p.Tyr307His; replaces tyrosine 307 with histidine.
Molecular consequence: missense variant.
Genome position (GRCh38, 1-based): chr2:55,875,027, A>G on the plus strand (T>C on the coding strand, the complement: EFEMP1 is on the minus strand). VCF-style: chr2-55875027-A-G. GRCh37 (hg19) VCF-style: chr2-56102162-A-G.
Other names: c.919T>C, p.Tyr307His (NM_001039349.3); short protein forms Y307H.
Identifiers: ClinVar variation 4823200 (VCV004823200.4).

ClinVar aggregate classification (germline): Uncertain significance (1 of 4 stars; one submission).

gnomAD v4.1: 67 of 1,607,666 alleles (0.0042%); highest among the groups gnomAD compares: Non-Finnish European, 0.0055%; no homozygotes.

Submission:

CeGaT Center for Human Genetics Tuebingen
Classification: Uncertain significance. Last evaluated: 2026-02-01. Review status: criteria provided, single submitter. Criteria: CeGaT Center For Human Genetics Tuebingen Variant Classification Criteria Version 2. Collection method: clinical testing. Allele origin: germline. Affected: yes. Observed: 1 variant allele.
Comment: EFEMP1: PM2, PP3